The following is an entry in ClinVar:

NM_014611.3(MDN1):c.14025T>C (p.Tyr4675=)

Genes: MDN1 (midasin AAA ATPase 1; minus strand), MDN1-AS1 (MDN1 antisense RNA 1; plus strand). Cytogenetic location: 6q15.
Variant type: single nucleotide variant.
Coding change: c.14025T>C on transcript NM_014611.3 (MANE Select); coding-DNA position 14025, T replaced by C.
Protein change: p.Tyr4675=; no amino-acid change (tyrosine 4675 retained).
Molecular consequence: synonymous variant.
Genome position (GRCh38, 1-based): chr6:89,668,083, A>G on the plus strand (T>C on the coding strand, the complement: MDN1 is on the minus strand). VCF-style: chr6-89668083-A-G. GRCh37 (hg19) VCF-style: chr6-90377802-A-G.
Identifiers: ClinVar variation 3039139 (VCV003039139.2), dbSNP rs148084650, ClinGen allele CA3922654.

ClinVar aggregate classification (germline): Likely benign (0 of 4 stars; one submission).

Conditions:
MDN1-related disorder. Also called: MDN1-related condition.

Allele frequency attached by ClinVar (database versions not stated): 1000 Genomes Project 30x 0.00031; 1000 Genomes Project 0.00040; ExAC 0.00061; gnomAD 0.00061; ESP Exome Variant Server 0.00069; TOPMed 0.00086.
gnomAD v4.1: 887 of 1,614,060 alleles (0.055%); highest among the groups gnomAD compares: Middle Eastern, 1.6%; 4 homozygotes.

Submission:

PreventionGenetics, part of Exact Sciences
Classification: Likely benign for MDN1-related condition. Last evaluated: 2019-03-25. Review status: no assertion criteria provided. Collection method: clinical testing. Allele origin: germline.
Comment: This variant is classified as likely benign based on ACMG/AMP sequence variant interpretation guidelines (Richards et al. 2015 PMID: 25741868, with internal and published modifications).